The following is an entry in ClinVar:

NM_198576.4(AGRN):c.5896C>T (p.Leu1966=)

Gene: AGRN (agrin; plus strand). Cytogenetic location: 1p36.33.
Variant type: single nucleotide variant.
Coding change: c.5896C>T on transcript NM_198576.4 (MANE Select); coding-DNA position 5896, C replaced by T.
Protein change: p.Leu1966=; no amino-acid change (leucine 1966 retained).
Molecular consequence: synonymous variant.
Genome position (GRCh38, 1-based): chr1:1,054,467, C>T. VCF-style: chr1-1054467-C-T. GRCh37 (hg19) VCF-style: chr1-989847-C-T.
Other names: p.Leu1966=; c.5965C>T, p.Leu1989= (NM_001305275.2); c.5593C>T, p.Leu1865= (NM_001364727.2).
Identifiers: ClinVar variation 474161 (VCV000474161.41), dbSNP rs115828965, ClinGen allele CA510275.

ClinVar aggregate classification (germline): Benign/Likely benign. Review status: criteria provided, multiple submitters, no conflicts (2 of 4 stars). 6 submissions from 6 submitters: Benign (1); Likely benign (5). Last evaluated 2026-02-02.

Conditions:
Congenital myasthenic syndrome 8. Also called: Myasthenic syndrome, congenital, 8, with pre- and postsynaptic defects; MYASTHENIC SYNDROME, CONGENITAL, DUE TO AGRIN DEFICIENCY. Identifiers: Orphanet 590, MedGen C3808739, MONDO:0014052, OMIM 615120.

Allele frequency attached by ClinVar (database versions not stated): gnomAD exomes 0.00085; ExAC 0.00226; 1000 Genomes Project 0.00260; 1000 Genomes Project 30x 0.00265; gnomAD 0.00356 and 0.00378; ESP Exome Variant Server 0.00393; TOPMed 0.00442.
gnomAD v4.1: 1,038 of 1,595,066 alleles (0.065%); highest among the groups gnomAD compares: African/African-American, 1.2%; 3 homozygotes.

Submissions (6):

Labcorp Genetics (formerly Invitae), Labcorp
Classification: Benign for Congenital myasthenic syndrome 8. Last evaluated: 2026-02-02. Review status: criteria provided, single submitter. Criteria: Invitae Variant Classification Sherloc (09022015). Collection method: clinical testing. Allele origin: germline.

Mayo Clinic Laboratories, Mayo Clinic
Classification: Likely benign. Last evaluated: 2025-04-02. Review status: criteria provided, single submitter. Criteria: ACMG Guidelines, 2015. Collection method: clinical testing. Allele origin: germline. Observed: 2 variant alleles.
Comment: BS1, BP4, BP7

Blueprint Genetics
Classification: Likely benign. Last evaluated: 2024-11-11. Review status: criteria provided, single submitter. Criteria: ACMG Guidelines, 2015. Collection method: clinical testing. Allele origin: germline.

CeGaT Center for Human Genetics Tuebingen
Classification: Likely benign. Last evaluated: 2023-04-01. Review status: criteria provided, single submitter. Criteria: CeGaT Center For Human Genetics Tuebingen Variant Classification Criteria Version 2. Collection method: clinical testing. Allele origin: germline. Affected: yes. Observed: 1 variant allele.
Comment: AGRN: BS1

GeneDx
Classification: Likely benign. Last evaluated: 2017-11-10. Review status: criteria provided, single submitter. Criteria: GeneDx Variant Classification (06012015). Collection method: clinical testing. Allele origin: germline. Affected: yes.
Comment: This variant is considered likely benign or benign based on one or more of the following criteria: it is a conservative change, it occurs at a poorly conserved position in the protein, it is predicted to be benign by multiple in silico algorithms, and/or has population frequency not consistent with disease.

Breakthrough Genomics
Classification: Likely benign. Review status: criteria provided, single submitter. Criteria: ACMG Guidelines, 2015. Collection method: not provided. Allele origin: germline. Inheritance: Autosomal recessive inheritance. Affected: yes.